The following is an entry in ClinVar:

NM_001171.6(ABCC6):c.3883-46A>G

Gene: ABCC6 (ATP binding cassette subfamily C member 6; minus strand). Cytogenetic location: 16p13.11.
Variant type: single nucleotide variant.
Coding change: c.3883-46A>G on transcript NM_001171.6 (MANE Select); 46 bases into the intron before coding-DNA position 3883, A replaced by G.
Molecular consequence: intron variant.
Genome position (GRCh38, 1-based): chr16:16,155,077, T>C on the plus strand (A>G on the coding strand, the complement: ABCC6 is on the minus strand). VCF-style: chr16-16155077-T-C. GRCh37 (hg19) VCF-style: chr16-16248934-T-C.
Other names: c.3541-46A>G (NM_001351800.1).
Identifiers: ClinVar variation 2646263 (VCV002646263.24), dbSNP rs57745014, ClinGen allele CA7925388.

ClinVar aggregate classification (germline): Benign (1 of 4 stars; one submission).

Allele frequency attached by ClinVar (database versions not stated): 1000 Genomes Project 0.00040; 1000 Genomes Project 30x 0.00047; TOPMed 0.00221; ESP Exome Variant Server 0.00252; gnomAD 0.00279; ExAC 0.00356; gnomAD exomes 0.00384.
gnomAD v4.1: 5,688 of 1,533,288 alleles (0.37%); highest among the groups gnomAD compares: Non-Finnish European, 0.41%; 25 homozygotes.

Submission:

CeGaT Center for Human Genetics Tuebingen
Classification: Benign. Last evaluated: 2026-05-01. Review status: criteria provided, single submitter. Criteria: CeGaT Center For Human Genetics Tuebingen Variant Classification Criteria Version 2. Collection method: clinical testing. Allele origin: germline. Affected: yes. Observed: 17 variant alleles.
Comment: ABCC6: BS1, BS2